The following is an entry in ClinVar:

NM_004999.4(MYO6):c.553+13T>A

Gene: MYO6 (myosin VI; plus strand). Cytogenetic location: 6q14.1.
Variant type: single nucleotide variant.
Coding change: c.553+13T>A on transcript NM_004999.4 (MANE Select); 13 bases into the intron after coding-DNA position 553, T replaced by A.
Molecular consequence: intron variant.
Genome position (GRCh38, 1-based): chr6:75,835,969, T>A. VCF-style: chr6-75835969-T-A. GRCh37 (hg19) VCF-style: chr6-76545686-T-A.
Other names: c.553+13T>A (NM_001368865.1, NM_001368866.1, NM_001368137.1 and 5 more transcripts).
Identifiers: ClinVar variation 227676 (VCV000227676.7), dbSNP rs369806112, ClinGen allele CA3896878.

ClinVar aggregate classification (germline): Likely benign. Review status: criteria provided, multiple submitters, no conflicts (2 of 4 stars). 2 submissions from 2 submitters: Likely benign (2). Last evaluated 2024-04-08.

Allele frequency attached by ClinVar (database versions not stated): gnomAD 0.00013; TOPMed 0.00013; ESP Exome Variant Server 0.00015.
gnomAD v4.1: 232 of 1,580,166 alleles (0.015%); highest among the groups gnomAD compares: Non-Finnish European, 0.019%; no homozygotes.

Submissions (2):

Labcorp Genetics (formerly Invitae), Labcorp
Classification: Likely benign. Last evaluated: 2024-04-08. Review status: criteria provided, single submitter. Criteria: Invitae Variant Classification Sherloc (09022015). Collection method: clinical testing. Allele origin: germline.

Laboratory for Molecular Medicine, Mass General Brigham Personalized Medicine
Classification: Likely benign. Last evaluated: 2015-06-08. Review status: criteria provided, single submitter. Criteria: LMM Criteria. Collection method: clinical testing. Allele origin: germline. Observed: 1 variant allele.
Comment: c.553+13T>A in intron 7 of MYO6: This variant is not expected to have clinical s ignificance because it is not located within the conserved splice consensus sequ ence. It has been identified in 14/65910 European chromosomes by the Exome Aggre gation Consortium (ExAC; dbSNP rs369806112).